The following is an entry in ClinVar:

ClinVar aggregate classification (germline): Pathogenic. Review status: reviewed by expert panel (3 of 4 stars). 17 submissions from 17 submitters: Pathogenic (1). 16 of the submissions do not count toward it. Last evaluated 2016-04-22.

Conditions:
Inherited breast cancer and ovarian cancer.
BRCA1-related disorder. Also called: BRCA1-related condition.
Hereditary cancer-predisposing syndrome. Also called: Neoplastic Syndromes, Hereditary; Tumor predisposition; Hereditary Cancer Syndrome; Hereditary neoplastic syndrome. Identifiers: Orphanet 140162, MedGen C0027672, MeSH D009386, MONDO:0015356.
Hereditary breast ovarian cancer syndrome. Also called: Hereditary breast and/or ovarian cancer syndrome; Hereditary breast and ovarian cancer syndrome; Hereditary breast and ovarian cancer; Hereditary breast and ovarian cancer syndrome (HBOC); Breast and ovarian cancer; BRCA1- and BRCA2-Associated Hereditary Breast and Ovarian Cancer. Identifiers: Orphanet 145, MedGen C0677776, MeSH D061325, MONDO:0003582. Disease mechanism: loss of function.
Breast-ovarian cancer, familial, susceptibility to, 1 (BROVCA1). Also called: OVARIAN CANCER, SUSCEPTIBILITY TO; BRCA1 Hereditary Breast and Ovarian Cancer. Identifiers: Orphanet 145, MedGen C2676676, MONDO:0011450, OMIM 604370. Disease mechanism: loss of function.
Malignant tumor of breast. Also called: Malignant breast neoplasm; Cancer breast. Identifiers: MedGen C0006142, MONDO:0007254. Disease mechanism: loss of function.

Allele frequency attached by ClinVar (database versions not stated): gnomAD exomes below 0.00001.
gnomAD v4.1: 1 of 1,614,078 alleles (0.000062%); highest among the groups gnomAD compares: African/African-American, 0.0013%; no homozygotes.

Submissions 1 to 12 of 17:

Evidence-based Network for the Interpretation of Germline Mutant Alleles (ENIGMA)
Classification: Pathogenic for Breast-ovarian cancer, familial, susceptibility to, 1. Last evaluated: 2016-04-22. Review status: reviewed by expert panel. Criteria: ENIGMA BRCA1/2 Classification Criteria (2015). Collection method: curation. Allele origin: germline.
Comment: Variant allele predicted to encode a truncated non-functional protein.

Genomics and Molecular Medicine Service, East Genomic Laboratory Hub, NHS Genomic Medicine Service
Classification: Pathogenic for Inherited breast cancer and ovarian cancer. Last evaluated: 2026-03-18. Review status: criteria provided, single submitter. Criteria: ACGS Best Practice Guidelines for Variant Classification in Rare Disease 2020. Collection method: clinical testing. Allele origin: germline. Affected: yes. Not counted in ClinVar's aggregate classification.
Comment: PVS1,PM5_Strong

Dasa
Classification: Pathogenic. Last evaluated: 2025-04-12. Review status: criteria provided, single submitter. Criteria: DASA Assertion Criteria. Collection method: clinical testing. Allele origin: germline. Not counted in ClinVar's aggregate classification.
Comment: NM_007294.4(BRCA1):c.1471C>T (p.Gln491*) introduces a premature termination codon predicted to result in loss of normal protein function. Loss-of-function is an established mechanism of disease for this gene. The affected residue or protein region has prior evidence supporting clinical relevance. This variant has been reported in individuals with related phenotype. The variant is present at low frequency in population datasets. Based on the available data, this variant is classified as pathogenic.

Labcorp Genetics (formerly Invitae), Labcorp
Classification: Pathogenic for Hereditary breast ovarian cancer syndrome. Last evaluated: 2024-11-13. Review status: criteria provided, single submitter. Criteria: Invitae Variant Classification Sherloc (09022015). Collection method: clinical testing. Allele origin: germline. Not counted in ClinVar's aggregate classification.
Comment: This sequence change creates a premature translational stop signal (p.Gln491*) in the BRCA1 gene. It is expected to result in an absent or disrupted protein product. Loss-of-function variants in BRCA1 are known to be pathogenic (PMID: 20104584). This variant is not present in population databases (gnomAD no frequency). This premature translational stop signal has been observed in individual(s) with breast and/or ovarian cancer (PMID: 16998791, 28724667). ClinVar contains an entry for this variant (Variation ID: 54264). For these reasons, this variant has been classified as Pathogenic.

GeneDx
Classification: Pathogenic. Last evaluated: 2023-12-21. Review status: criteria provided, single submitter. Criteria: GeneDx Variant Classification Process June 2021. Collection method: clinical testing. Allele origin: germline. Affected: yes. Not counted in ClinVar's aggregate classification.
Comment: Nonsense variant predicted to result in protein truncation or nonsense mediated decay in a gene for which loss of function is a known mechanism of disease; Observed in individuals with a personal or family history including breast and/or ovarian cancer (PMID: 16998791, 25428789, 31528241); Truncating variants in this gene are considered pathogenic by a well-established clinical consortium and/or database; Not observed at significant frequency in large population cohorts (gnomAD); Also known as 1590C>T; This variant is associated with the following publications: (PMID: 16998791, 21559243, 25428789, 25525159, 26187060, 25400221, 27553291, 28724667, 29907814, 28111427, 28176296, 31825140, 33087929, 30702160, 29446198, 37528630, 35377489, 31528241)

Ambry Genetics
Classification: Pathogenic for Hereditary cancer-predisposing syndrome. Last evaluated: 2023-01-18. Review status: criteria provided, single submitter. Criteria: Ambry Variant Classification Scheme 2023. Collection method: clinical testing. Allele origin: germline. Not counted in ClinVar's aggregate classification.
Comment: The p.Q491* pathogenic mutation (also known as c.1471C>T), located in coding exon 9 of the BRCA1 gene, results from a C to T substitution at nucleotide position 1471. This changes the amino acid from a glutamine to a stop codon within coding exon 9. This mutation has been detected in multiple individuals with hereditary breast and/or ovarian cancer (Rashid MU et al. Int. J. Cancer. 2006 Dec;119:2832-9; Sun J et al. Clin. Cancer Res. 2017 Oct;23:6113-6119; Rebbeck TR Hum. Mutat. 2018 May;39:593-620). Of note, this mutation is also designated as 1590C>T in published literature. This variant is considered to be rare based on population cohorts in the Genome Aggregation Database (gnomAD). In addition to the clinical data presented in the literature, this alteration is expected to result in loss of function by premature protein truncation or nonsense-mediated mRNA decay. As such, this alteration is interpreted as a disease-causing mutation.

Baylor Genetics
Classification: Pathogenic for Breast-ovarian cancer, familial, susceptibility to, 1. Last evaluated: 2021-10-30. Review status: criteria provided, single submitter. Criteria: ACMG Guidelines, 2015. Collection method: clinical testing. Allele origin: unknown. Not counted in ClinVar's aggregate classification.

Revvity Omics, Revvity
Classification: Pathogenic. Last evaluated: 2020-09-11. Review status: criteria provided, single submitter. Criteria: ACMG Guidelines, 2015. Collection method: clinical testing. Allele origin: germline. Not counted in ClinVar's aggregate classification.

Blueprint Genetics
Classification: Pathogenic for BRCA1-related disorders. Last evaluated: 2020-03-02. Review status: criteria provided, single submitter. Criteria: ACMG Guidelines, 2015. Collection method: clinical testing. Allele origin: germline. Affected: yes. Observed: 1 variant allele. Not counted in ClinVar's aggregate classification.

Quest Diagnostics Nichols Institute San Juan Capistrano
Classification: Pathogenic. Last evaluated: 2020-01-19. Review status: criteria provided, single submitter. Criteria: Quest Diagnostics criteria. Collection method: clinical testing. Allele origin: unknown. Not counted in ClinVar's aggregate classification.
Comment: The variant creates a premature nonsense codon, and is therefore predicted to result in the loss of a functional protein. Found in at least one patient with expected phenotype for this gene, and not found in general population data.

Color Diagnostics, LLC DBA Color Health
Classification: Pathogenic for Hereditary cancer-predisposing syndrome. Last evaluated: 2020-01-15. Review status: criteria provided, single submitter. Criteria: ACMG Guidelines, 2015. Collection method: clinical testing. Allele origin: germline. Not counted in ClinVar's aggregate classification.
Comment: This variant changes 1 nucleotide in exon 10 of the BRCA1 gene, creating a premature translation stop signal. This variant is expected to result in an absent or non-functional protein product. This variant has not been identified in the general population by the Genome Aggregation Database (gnomAD). Loss of BRCA1 function is a known mechanism of disease. Based on the available evidence, this variant is classified as Pathogenic.

Laboratory for Molecular Medicine, Mass General Brigham Personalized Medicine
Classification: Pathogenic for Hereditary breast ovarian cancer syndrome. Last evaluated: 2019-10-14. Review status: criteria provided, single submitter. Criteria: ACMG Guidelines, 2015. Collection method: clinical testing. Allele origin: germline. Not counted in ClinVar's aggregate classification.
Comment: The p.Gln491X variant in BRCA1 has been reported in at least 6 individuals with a personal or family history of breast and/or ovarian cancer (HBOC; Rashid 2006, Park 2017, Sun 2017, BIC database). It was absent from large population studies. This variant leads to a premature termination codon at position 491, which is predicted to lead to a truncated or absent protein. Loss of function of the BRCA1 gene is an established disease mechanism in autosomal dominant hereditary breast and ovarian cancer syndrome (HBOC). Additionally, this variant was classified as Pathogenic on Apr 22, 2016 by the ClinGen-approved ENIGMA expert panel (Variation ID: 54264). In summary, this variant meets criteria to be classified as pathogenic for autosomal dominant HBOC. ACMG/AMP Criteria applied: PVS1, PM2, PS4_Moderate.

NM_007294.4(BRCA1):c.1471C>T (p.Gln491Ter)

Gene: BRCA1 (BRCA1 DNA repair associated; minus strand). Cytogenetic location: 17q21.31.
Variant type: single nucleotide variant.
Coding change: c.1471C>T on transcript NM_007294.4 (MANE Select); coding-DNA position 1471, C replaced by T.
Protein change: p.Gln491Ter; replaces glutamine 491 with a stop codon.
Molecular consequence: nonsense. On other transcripts: intron variant (137).
Genome position (GRCh38, 1-based): chr17:43,094,060, G>A on the plus strand (C>T on the coding strand, the complement: BRCA1 is on the minus strand). VCF-style: chr17-43094060-G-A. GRCh37 (hg19) VCF-style: chr17-41246077-G-A.
Other names: 1590C>T; c.1258C>T, p.Gln420Ter (NM_001407571.1, NM_001407898.1, NM_001407899.1 and 9 more transcripts); c.1471C>T, p.Gln491Ter (NM_001407581.1, NM_001407582.1, NM_001407583.1 and 30 more transcripts); c.1468C>T, p.Gln490Ter (NM_001407587.1, NM_001407590.1, NM_001407591.1 and 22 more transcripts); c.1462C>T, p.Gln488Ter (NM_001407647.1, NM_001407646.1); c.1348C>T, p.Gln450Ter (NM_001407648.1, NM_001407668.1, NM_001407669.1 and 19 more transcripts); c.1345C>T, p.Gln449Ter (NM_001407649.1, NM_001407670.1, NM_001407671.1 and 11 more transcripts); c.1393C>T, p.Gln465Ter (NM_001407653.1, NM_001407654.1, NM_001407655.1 and 4 more transcripts); and 41 more; short protein forms Q491*, Q444*, Q364*, Q402*, Q403*, Q421*, Q424*, Q449*.
Identifiers: ClinVar variation 54264 (VCV000054264.34), dbSNP rs62625303, ClinGen allele CA000988.